The following is an entry in ClinVar:

ClinVar aggregate classification (germline): Benign. Review status: criteria provided, multiple submitters, no conflicts (2 of 4 stars). 3 submissions from 3 submitters: Benign (2). 1 of the submissions does not count toward it. Last evaluated 2016-03-29.

Conditions:
DNAH17-related disorder. Also called: DNAH17-related condition.

Allele frequency attached by ClinVar (database versions not stated): gnomAD exomes 0.83328 and 0.86502; ESP Exome Variant Server 0.86282; ExAC 0.86520; gnomAD 0.86857 and 0.87101; TOPMed 0.88113; 1000 Genomes Project 0.93091; 1000 Genomes Project 30x 0.93223.
gnomAD v4.1: 1,350,610 of 1,612,524 alleles (84%); highest among the groups gnomAD compares: East Asian, 99%; 568,007 homozygotes.

Submissions (3):

Laboratory for Molecular Medicine, Mass General Brigham Personalized Medicine
Classification: Benign. Last evaluated: 2016-03-29. Review status: criteria provided, single submitter. Criteria: LMM Criteria. Collection method: clinical testing. Allele origin: germline.
Comment: Variant identified in a genome or exome case(s) and assessed due to predicted null impact of the variant or pathogenic assertions in the literature or databases. Disclaimer: This variant has not undergone full assessment. The following are preliminary notes: Frequency

Breakthrough Genomics
Classification: Benign. Review status: criteria provided, single submitter. Criteria: ACMG Guidelines, 2015. Collection method: not provided. Allele origin: germline. Inheritance: Autosomal recessive inheritance. Affected: yes.

PreventionGenetics, part of Exact Sciences
Classification: Benign for DNAH17-related condition. Last evaluated: 2019-10-17. Review status: no assertion criteria provided. Collection method: clinical testing. Allele origin: germline. Not counted in ClinVar's aggregate classification.
Comment: This variant is classified as benign based on ACMG/AMP sequence variant interpretation guidelines (Richards et al. 2015 PMID: 25741868, with internal and published modifications).

NM_173628.4(DNAH17):c.5171G>A (p.Arg1724Lys)

Genes: DNAH17 (dynein axonemal heavy chain 17; minus strand), DNAH17-AS1 (DNAH17 antisense RNA 1; plus strand). Cytogenetic location: 17q25.3.
Variant type: single nucleotide variant.
Coding change: c.5171G>A on transcript NM_173628.4 (MANE Select); coding-DNA position 5171, G replaced by A.
Protein change: p.Arg1724Lys; replaces arginine 1724 with lysine.
Molecular consequence: missense variant. On other transcripts: non-coding transcript variant (1).
Genome position (GRCh38, 1-based): chr17:78,502,610, C>T on the plus strand (G>A on the coding strand, the complement: DNAH17 is on the minus strand). VCF-style: chr17-78502610-C-T. GRCh37 (hg19) VCF-style: chr17-76498692-C-T.
Other names: short protein forms R1724K.
Identifiers: ClinVar variation 402687 (VCV000402687.7), dbSNP rs930571, ClinGen allele CA8803405.